The following is an entry in ClinVar:

ClinVar aggregate classification (germline): Uncertain significance (1 of 4 stars; one submission).

Conditions:
Fanconi anemia complementation group J. Also called: BRIP1-Related Fanconi Anemia. Identifiers: Orphanet 84, MedGen C1836860, MONDO:0012187, OMIM 609054.
Familial cancer of breast. Also called: BREAST CANCER, FAMILIAL; Hereditary breast cancer; hereditary breast carcinoma. Identifiers: Orphanet 227535, MedGen C0346153, MONDO:0016419, OMIM 114480. Disease mechanism: loss of function.

Submission:

Labcorp Genetics (formerly Invitae), Labcorp
Classification: Uncertain significance for Familial cancer of breast; Fanconi anemia complementation group J. Last evaluated: 2022-11-23. Review status: criteria provided, single submitter. Criteria: Invitae Variant Classification Sherloc (09022015). Collection method: clinical testing. Allele origin: germline.
Comment: This variant, c.396_398dup, results in the insertion of 1 amino acid(s) of the BRIP1 protein (p.Thr133dup), but otherwise preserves the integrity of the reading frame. This variant is not present in population databases (gnomAD no frequency). This variant has not been reported in the literature in individuals affected with BRIP1-related conditions. In summary, the available evidence is currently insufficient to determine the role of this variant in disease. Therefore, it has been classified as a Variant of Uncertain Significance.

NM_032043.3(BRIP1):c.396_398dup (p.Thr133_Leu134insThr)

Gene: BRIP1 (BRCA1 interacting DNA helicase 1; minus strand). Cytogenetic location: 17q23.2.
Variant type: Duplication.
Coding change: c.396_398dup on transcript NM_032043.3 (MANE Select); coding-DNA positions 396 to 398, 3 bases duplicated (CAC; older notation c.396_398dupCAC).
Protein change: p.Thr133_Leu134insThr.
Molecular consequence: inframe insertion.
Genome position (GRCh38, 1-based): chr17:61,849,238-61,849,240, GTG duplicated on the plus strand (CAC on the coding strand, the reverse complement: BRIP1 is on the minus strand); duplicating any 3 consecutive bases within chr17:61,849,238-61,849,242 gives the same sequence; the c. name uses the placement nearest the transcript's 3' end. VCF-style (leftmost placement, unchanged base first): chr17-61849237-A-AGTG. GRCh37 (hg19) VCF-style: chr17-59926598-A-AGTG.
Identifiers: ClinVar variation 2941358 (VCV002941358.3), dbSNP rs1434806249, ClinGen allele CA773825863.
Genomic context (GRCh38, chr17:61,849,237, plus strand): 5'-ATCATCATTTTCATCTCTGTATATGGATGCCTGTTTCTTAGCAGATAACTTTGCAGCCAG[A>AGTG]GTGGTTTTTTCAGGGGAGTCTTATATAAGTAATTTAAAAAAAACAGCATAAATAACTTAC-3'